The following is an entry in ClinVar:

NM_000929.3(PLA2G5):c.133G>A (p.Gly45Ser)

Gene: PLA2G5 (phospholipase A2 group V; plus strand). Cytogenetic location: 1p36.13.
Variant type: single nucleotide variant.
Coding change: c.133G>A on transcript NM_000929.3 (MANE Select); coding-DNA position 133, G replaced by A.
Protein change: p.Gly45Ser; replaces glycine 45 with serine.
Molecular consequence: missense variant.
Genome position (GRCh38, 1-based): chr1:20,086,175, G>A. VCF-style: chr1-20086175-G-A. GRCh37 (hg19) VCF-style: chr1-20412668-G-A.
Other names: short protein forms G45S.
Identifiers: ClinVar variation 846719 (VCV000846719.11), dbSNP rs387906795, ClinGen allele CA658180.

ClinVar aggregate classification (germline): Uncertain significance. Review status: criteria provided, multiple submitters, no conflicts (2 of 4 stars). 3 submissions from 3 submitters: Uncertain significance (3). Last evaluated 2025-08-23.

Allele frequency attached by ClinVar (database versions not stated): TOPMed 0.00001.
gnomAD v4.1: 30 of 1,614,016 alleles (0.0019%); highest among the groups gnomAD compares: Middle Eastern, 0.016%; no homozygotes.

Submissions (3):

Ambry Genetics
Classification: Uncertain significance. Last evaluated: 2025-08-23. Review status: criteria provided, single submitter. Criteria: Ambry Variant Classification Scheme 2023. Collection method: clinical testing. Allele origin: germline.

Labcorp Genetics (formerly Invitae), Labcorp
Classification: Uncertain significance. Last evaluated: 2024-01-15. Review status: criteria provided, single submitter. Criteria: Invitae Variant Classification Sherloc (09022015). Collection method: clinical testing. Allele origin: germline.
Comment: This sequence change replaces glycine, which is neutral and non-polar, with serine, which is neutral and polar, at codon 45 of the PLA2G5 protein (p.Gly45Ser). This variant is present in population databases (rs387906795, gnomAD 0.0009%). This variant has not been reported in the literature in individuals affected with PLA2G5-related conditions. ClinVar contains an entry for this variant (Variation ID: 846719). An algorithm developed to predict the effect of missense changes on protein structure and function (PolyPhen-2) suggests that this variant is likely to be disruptive. In summary, the available evidence is currently insufficient to determine the role of this variant in disease. Therefore, it has been classified as a Variant of Uncertain Significance.

Blueprint Genetics
Classification: Uncertain significance. Last evaluated: 2022-05-24. Review status: criteria provided, single submitter. Criteria: ACMG Guidelines, 2015. Collection method: clinical testing. Allele origin: germline.